The following is an entry in ClinVar:

ClinVar aggregate classification (germline): Benign/Likely benign. Review status: criteria provided, multiple submitters, no conflicts (2 of 4 stars). 5 submissions from 5 submitters: Benign (1); Likely benign (4). Last evaluated 2025-09-19.

Conditions:
Simpson-Golabi-Behmel syndrome type 1 (SGBS1). Also called: BULLDOG SYNDROME; DYSPLASIA GIGANTISM SYNDROME, X-LINKED; GOLABI-ROSEN SYNDROME; GPC3-Related Simpson-Golabi-Behmel Syndrome Type 1; SIMPSON DYSMORPHIA SYNDROME. Identifiers: Orphanet 373, MedGen C0796154, MONDO:0020602, OMIM 312870.
Wilms tumor 1 (WT1). Also called: Wilms tumor, somatic. Identifiers: Orphanet 654, MedGen CN033288, MONDO:0008679, OMIM 194070.
Hereditary cancer-predisposing syndrome. Also called: Neoplastic Syndromes, Hereditary; Hereditary neoplastic syndrome; Hereditary Cancer Syndrome; Tumor predisposition. Identifiers: Orphanet 140162, MedGen C0027672, MeSH D009386, MONDO:0015356.

Submissions (5):

Mayo Clinic Laboratories, Mayo Clinic
Classification: Likely benign. Last evaluated: 2025-09-19. Review status: criteria provided, single submitter. Criteria: ACMG Guidelines, 2015. Collection method: clinical testing. Allele origin: germline. Observed: 1 variant allele.
Comment: BS1, BP7

Blueprint Genetics
Classification: Likely benign. Last evaluated: 2024-08-05. Review status: criteria provided, single submitter. Criteria: ACMG Guidelines, 2015. Collection method: clinical testing. Allele origin: germline.

Sema4
Classification: Likely benign for Hereditary cancer-predisposing syndrome. Last evaluated: 2022-02-03. Review status: criteria provided, single submitter. Criteria: Sema4 Curation Guidelines. Collection method: curation. Allele origin: germline.

Fulgent Genetics
Classification: Likely benign for Wilms tumor 1; Simpson-Golabi-Behmel syndrome type 1. Last evaluated: 2021-08-25. Review status: criteria provided, single submitter. Criteria: ACMG Guidelines, 2015. Collection method: clinical testing. Allele origin: unknown.

Labcorp Genetics (formerly Invitae), Labcorp
Classification: Benign. Last evaluated: 2017-05-17. Review status: criteria provided, single submitter. Criteria: Invitae Variant Classification Sherloc (09022015). Collection method: clinical testing. Allele origin: germline.

NM_004484.4(GPC3):c.338-7_338-5del

Gene: GPC3 (glypican 3; minus strand). Cytogenetic location: Xq26.2.
Variant type: Deletion.
Coding change: c.338-7_338-5del on transcript NM_004484.4 (MANE Select); 7 bases into the intron before coding-DNA position 338 through 5 bases into the intron before coding-DNA position 338, 3 bases deleted (TTT; older notation c.338-7_338-5delTTT).
Molecular consequence: intron variant.
Genome position (GRCh38, 1-based): chrX:133,754,181-133,754,183, AAA deleted on the plus strand (TTT on the coding strand, the reverse complement: GPC3 is on the minus strand); deleting any 3 consecutive bases within chrX:133,754,181-133,754,196 gives the same sequence; the c. name uses the placement nearest the transcript's 3' end. VCF-style (leftmost placement, unchanged base first): chrX-133754180-TAAA-T. GRCh37 (hg19) VCF-style: chrX-132888207-TAAA-T.
Other names: p.?; c.176-7_176-5del (NM_001164619.2); c.290-7_290-5del (NM_001164618.2); c.338-7_338-5del (NM_001164617.2).
Identifiers: ClinVar variation 698976 (VCV000698976.7), dbSNP rs370737647, ClinGen allele CA10520846.